The following is an entry in ClinVar:

NM_014141.6(CNTNAP2):c.470G>A (p.Arg157His)

Gene: CNTNAP2 (contactin associated protein 2; plus strand). Cytogenetic location: 7q35.
Variant type: single nucleotide variant.
Coding change: c.470G>A on transcript NM_014141.6 (MANE Select); coding-DNA position 470, G replaced by A.
Protein change: p.Arg157His; replaces arginine 157 with histidine.
Molecular consequence: missense variant.
Genome position (GRCh38, 1-based): chr7:147,043,974, G>A. VCF-style: chr7-147043974-G-A. GRCh37 (hg19) VCF-style: chr7-146741066-G-A.
Other names: short protein forms R157H.
Identifiers: ClinVar variation 1214965 (VCV001214965.6), dbSNP rs772931700, ClinGen allele CA4545794.
Genomic context (GRCh38, chr7:147,043,974, plus strand): 5'-CCGGAAACATTAACTCTGACGGTGTGGTCCGGCACGAATTACAGCATCCGATTATTGCCC[G>A]CTATGTGCGCATAGTGCCTCTGGATTGGAATGGAGAAGGTCGCATTGGACTCAGAATTGA-3'
Protein context (NP_054860.1, residues 147-167): RHELQHPIIA[Arg157His]YVRIVPLDWN

ClinVar aggregate classification (germline): Uncertain significance. Review status: criteria provided, multiple submitters, no conflicts (2 of 4 stars). 3 submissions from 3 submitters: Uncertain significance (3). Last evaluated 2025-06-17.

Conditions:
Inborn genetic diseases. Identifiers: MedGen C0950123, MeSH D030342.
Cortical dysplasia-focal epilepsy syndrome (PTHSL1). Also called: Pitt-Hopkins-like syndrome 1. Identifiers: Orphanet 163681, Orphanet 221150, MedGen C2750246, MONDO:0012400, OMIM 610042.

Allele frequency attached by ClinVar (database versions not stated): ExAC 0.00002.

Submissions (3):

Ambry Genetics
Classification: Uncertain significance for Inborn genetic diseases. Last evaluated: 2025-06-17. Review status: criteria provided, single submitter. Criteria: Ambry Variant Classification Scheme 2023. Collection method: clinical testing. Allele origin: germline.

Labcorp Genetics (formerly Invitae), Labcorp
Classification: Uncertain significance for Cortical dysplasia-focal epilepsy syndrome. Last evaluated: 2021-12-06. Review status: criteria provided, single submitter. Criteria: Invitae Variant Classification Sherloc (09022015). Collection method: clinical testing. Allele origin: germline.
Comment: This sequence change replaces arginine, which is basic and polar, with histidine, which is basic and polar, at codon 157 of the CNTNAP2 protein (p.Arg157His). This variant is present in population databases (rs772931700, gnomAD 0.009%). This variant has not been reported in the literature in individuals affected with CNTNAP2-related conditions. ClinVar contains an entry for this variant (Variation ID: 1214965). Algorithms developed to predict the effect of missense changes on protein structure and function are either unavailable or do not agree on the potential impact of this missense change (SIFT: "Deleterious"; PolyPhen-2: "Possibly Damaging"; Align-GVGD: "Class C0"). In summary, the available evidence is currently insufficient to determine the role of this variant in disease. Therefore, it has been classified as a Variant of Uncertain Significance.

GeneDx
Classification: Uncertain significance. Last evaluated: 2021-02-18. Review status: criteria provided, single submitter. Criteria: GeneDx Variant Classification Process June 2021. Collection method: clinical testing. Allele origin: germline. Affected: yes.
Comment: Not observed at a significant frequency in large population cohorts (Lek et al., 2016); In silico analysis supports that this missense variant has a deleterious effect on protein structure/function; Has not been previously published as pathogenic or benign to our knowledge